The following is an entry in ClinVar:

NM_003079.5(SMARCE1):c.412G>A (p.Ala138Thr)

Gene: SMARCE1 (SWI/SNF related BAF chromatin remodeling complex subunit E1; minus strand). Cytogenetic location: 17q21.2.
Variant type: single nucleotide variant.
Coding change: c.412G>A on transcript NM_003079.5 (MANE Select); coding-DNA position 412, G replaced by A.
Protein change: p.Ala138Thr; replaces alanine 138 with threonine.
Molecular consequence: missense variant.
Genome position (GRCh38, 1-based): chr17:40,636,060, C>T on the plus strand (G>A on the coding strand, the complement: SMARCE1 is on the minus strand). VCF-style: chr17-40636060-C-T. GRCh37 (hg19) VCF-style: chr17-38792312-C-T.
Other names: short protein forms A138T.
Identifiers: ClinVar variation 486509 (VCV000486509.20), dbSNP rs771308672, ClinGen allele CA8545247.

ClinVar aggregate classification (germline): Conflicting classifications of pathogenicity. Review status: criteria provided, conflicting classifications (1 of 4 stars). 7 submissions from 7 submitters: Uncertain significance (6); Likely benign (1). Last evaluated 2026-01-08.

Conditions:
Coffin-Siris syndrome 5 (CSS5). Identifiers: Orphanet 1465, MedGen C4310788, MONDO:0014838, OMIM 616938.
Familial meningioma. Also called: Meningioma, familial, susceptibility to. Identifiers: Orphanet 263662, MedGen C3551915, MONDO:0011789, OMIM 607174.
Hereditary cancer-predisposing syndrome. Also called: Tumor predisposition; Neoplastic Syndromes, Hereditary; Hereditary neoplastic syndrome; Hereditary Cancer Syndrome. Identifiers: Orphanet 140162, MedGen C0027672, MeSH D009386, MONDO:0015356.

Allele frequency attached by ClinVar (database versions not stated): ExAC 0.00002; gnomAD exomes 0.00002; gnomAD 0.00003 and 0.00004; TOPMed 0.00005.
gnomAD v4.1: 49 of 1,612,544 alleles (0.003%); highest among the groups gnomAD compares: African/African-American, 0.008%; no homozygotes.

Submissions (7):

Labcorp Genetics (formerly Invitae), Labcorp
Classification: Uncertain significance for Familial meningioma. Last evaluated: 2026-01-08. Review status: criteria provided, single submitter. Criteria: Invitae Variant Classification Sherloc (09022015). Collection method: clinical testing. Allele origin: germline.
Comment: This sequence change replaces alanine, which is neutral and non-polar, with threonine, which is neutral and polar, at codon 138 of the SMARCE1 protein (p.Ala138Thr). This variant is present in population databases (rs771308672, gnomAD 0.01%). This variant has not been reported in the literature in individuals affected with SMARCE1-related conditions. ClinVar contains an entry for this variant (Variation ID: 486509). Invitae Evidence Modeling of protein sequence and biophysical properties (such as structural, functional, and spatial information, amino acid conservation, physicochemical variation, residue mobility, and thermodynamic stability) indicates that this missense variant is not expected to disrupt SMARCE1 protein function with a negative predictive value of 80%. In summary, the available evidence is currently insufficient to determine the role of this variant in disease. Therefore, it has been classified as a Variant of Uncertain Significance.

Dasa
Classification: Uncertain significance. Last evaluated: 2024-12-18. Review status: criteria provided, single submitter. Criteria: DASA Assertion Criteria. Collection method: clinical testing. Allele origin: germline.
Comment: NM_003079.5(SMARCE1):c.412G>A (p.Ala138Thr) is a missense variant that results in the substitution of alanine with threonine. This variant is rare in population databases. Computational prediction algorithms are consistent with a benign effect. The currently available literature and clinical evidence are not sufficient to establish a definitive association between this variant and the reported condition. Therefore, this variant is classified as a variant of uncertain significance.

GeneDx
Classification: Uncertain significance. Last evaluated: 2024-11-12. Review status: criteria provided, single submitter. Criteria: GeneDx Variant Classification Process June 2021. Collection method: clinical testing. Allele origin: germline.
Comment: In silico analysis supports that this missense variant has a deleterious effect on protein structure/function; Has not been previously published as pathogenic or benign to our knowledge

Baylor Genetics
Classification: Uncertain significance for Familial meningioma. Last evaluated: 2023-12-17. Review status: criteria provided, single submitter. Criteria: ACMG Guidelines, 2015. Collection method: clinical testing. Allele origin: unknown.

St. Jude Molecular Pathology, St. Jude Children's Research Hospital
Classification: Uncertain significance for Coffin-Siris syndrome 5. Last evaluated: 2023-10-18. Review status: criteria provided, single submitter. Criteria: St. Jude Assertion Criteria 2020. Collection method: clinical testing. Allele origin: germline.
Comment: The SMARCE1 c.412G>A (p.Ala138Thr) missense change has a maximum subpopulation frequency of 0.016% in gnomAD v2.1.1. The in silico tool REVEL predicts a benign effect on protein function, but to our knowledge this prediction has not been confirmed by functional studies. To our knowledge, this variant has not been reported in the literature in individuals with SMARCE1-related disease. In summary, the evidence currently available is insufficient to determine the clinical significance of this variant. It has therefore been classified as of uncertain significance.

Fulgent Genetics
Classification: Uncertain significance for Familial meningioma; Coffin-Siris syndrome 5. Last evaluated: 2021-12-22. Review status: criteria provided, single submitter. Criteria: ACMG Guidelines, 2015. Collection method: clinical testing. Allele origin: unknown.

Ambry Genetics
Classification: Likely benign for Hereditary cancer-predisposing syndrome. Last evaluated: 2020-12-21. Review status: criteria provided, single submitter. Criteria: Ambry Variant Classification Scheme 2023. Collection method: clinical testing. Allele origin: germline.